The following is an entry in ClinVar:

NM_001142285.2(RPS24):c.484C>T (p.Arg162Trp)

Gene: RPS24 (ribosomal protein S24; plus strand). Cytogenetic location: 10q22.3.
Variant type: single nucleotide variant.
Coding change: c.484C>T on transcript NM_001142285.2; coding-DNA position 484, C replaced by T.
Protein change: p.Arg162Trp; replaces arginine 162 with tryptophan.
Molecular consequence: missense variant.
Genome position (GRCh38, 1-based): chr10:78,054,624, C>T. VCF-style: chr10-78054624-C-T. GRCh37 (hg19) VCF-style: chr10-79814382-C-T.
Other names: short protein forms R162W.
Identifiers: ClinVar variation 2500081 (VCV002500081.2), dbSNP rs375150364, ClinGen allele CA5572088.

ClinVar aggregate classification (germline): Likely benign. Review status: criteria provided, multiple submitters, no conflicts (2 of 4 stars). 2 submissions from 2 submitters: Likely benign (2). Last evaluated 2024-07-02.

Conditions:
Diamond-Blackfan anemia 3 (DBA3). Also called: RPS24-Related Diamond-Blackfan Anemia. Identifiers: Orphanet 124, MedGen C1857719, MONDO:0012529, OMIM 610629.

Allele frequency attached by ClinVar (database versions not stated): gnomAD exomes 0.00043; 1000 Genomes Project 0.00080; gnomAD 0.00025; ExAC 0.00288; TOPMed 0.00008.
gnomAD v4.1: 635 of 1,551,566 alleles (0.041%); highest among the groups gnomAD compares: South Asian, 0.71%; 6 homozygotes.

Submissions (2):

Blueprint Genetics
Classification: Likely benign. Last evaluated: 2024-07-02. Review status: criteria provided, single submitter. Criteria: ACMG Guidelines, 2015. Collection method: clinical testing. Allele origin: germline.

Center for Genomics, Ann and Robert H. Lurie Children's Hospital of Chicago
Classification: Likely benign for Diamond-Blackfan anemia 3. Last evaluated: 2022-10-12. Review status: criteria provided, single submitter. Criteria: ACMG Guidelines, 2015. Collection method: clinical testing. Allele origin: germline.
Comment: This variant has not been reported in the literature but is present in the Genome Aggregation Database (Highest reported MAF: 0.6% [145/22768], including 1 homozygote). Evolutionary conservation and computational predictive tools strongly suggest that this variant may not impact the protein. In summary, data on this variant suggests that this variant does not cause disease but requires further evidence. Therefore, this variant is classified as likely benign.